The following is an entry in ClinVar:

ClinVar aggregate classification (germline): Conflicting classifications of pathogenicity. Review status: criteria provided, conflicting classifications (1 of 4 stars). 3 submissions from 3 submitters: Uncertain significance (2); Benign (1). Last evaluated 2026-01-18.

Conditions:
Myofibrillar myopathy 4. Also called: Zaspopathy (type). Identifiers: Orphanet 98912, MedGen C4721886, MONDO:0012277, OMIM 609452.

Allele frequency attached by ClinVar (database versions not stated): gnomAD exomes below 0.00001.
gnomAD v4.1: 1 of 1,557,168 alleles (0.000064%); highest among the groups gnomAD compares: African/African-American, 0.0014%; no homozygotes.

Submissions (3):

Labcorp Genetics (formerly Invitae), Labcorp
Classification: Uncertain significance for Myofibrillar myopathy 4. Last evaluated: 2026-01-18. Review status: criteria provided, single submitter. Criteria: Invitae Variant Classification Sherloc (09022015). Collection method: clinical testing. Allele origin: germline.
Comment: The LDB3 gene has multiple clinically relevant transcripts. This variant occurs in alternate transcript NM_007078.3, and corresponds to NM_001080116.1:c.*17046C>T in the primary transcript. This sequence change replaces alanine, which is neutral and non-polar, with valine, which is neutral and non-polar, at codon 442 of the LDB3 protein (p.Ala442Val). The frequency data for this variant in the population databases is considered unreliable, as metrics indicate poor data quality at this position in the gnomAD database. This variant has not been reported in the literature in individuals affected with LDB3-related conditions. Experimental studies and prediction algorithms are not available or were not evaluated, and the functional significance of this variant is currently unknown. In summary, the available evidence is currently insufficient to determine the role of this variant in disease. Therefore, it has been classified as a Variant of Uncertain Significance.

GeneDx
Classification: Uncertain significance. Last evaluated: 2025-12-17. Review status: criteria provided, single submitter. Criteria: GeneDx Variant Classification Process June 2021. Collection method: clinical testing. Allele origin: germline.
Comment: Has not been previously published as pathogenic or benign to our knowledge; In silico analysis suggests that this missense variant does not alter protein structure/function; Not observed at significant frequency in large population cohorts (gnomAD); Reported using an alternate transcript of the gene

Biesecker Lab/Clinical Genomics Section, National Institutes of Health
Classification: Benign. Last evaluated: 2013-06-24. Review status: criteria provided, single submitter. Criteria: Ng et al. (Circ Cardiovasc Genet. 2013). Collection method: research. Allele origin: unknown. Observed: 1 variant allele. Study: ClinSeq.
Comment: The study set was not selected for affection status in relation to any cancer. Pathogenicity categories were based on literature curation. See Pubmed ID:23861362 for details.

Medical sequencing

NM_007078.3(LDB3):c.1325C>T (p.Ala442Val)

Gene: LDB3 (LIM domain binding 3; plus strand). Cytogenetic location: 10q23.2.
Variant type: single nucleotide variant.
Coding change: c.1325C>T on transcript NM_007078.3 (MANE Select); coding-DNA position 1325, C replaced by T.
Protein change: p.Ala442Val; replaces alanine 442 with valine.
Molecular consequence: missense variant.
Genome position (GRCh38, 1-based): chr10:86,716,420, C>T. VCF-style: chr10-86716420-C-T. GRCh37 (hg19) VCF-style: chr10-88476177-C-T.
Other names: c.995C>T, p.Ala332Val (NM_001080114.2); c.1340C>T, p.Ala447Val (NM_001171610.2); c.1136C>T, p.Ala379Val (NM_001368064.1, NM_001368065.1); c.1184C>T, p.Ala395Val (NM_001368066.1); short protein forms A332V, A442V, A395V, A447V, A379V.
Identifiers: ClinVar variation 192188 (VCV000192188.13), dbSNP rs786205349, ClinGen allele CA200004.
Genomic context (GRCh38, chr10:86,716,420, plus strand): 5'-CCAATTACAGTCCCACTCCCTACACCCCCTCCCCTGCCCCTGCCTACACCCCCTCCCCTG[C>T]CCCTGCCTACACCCCCTCACCTGTCCCCACCTACACTCCATCCCCAGCACCAGCCTATAC-3'
Protein context (NP_009009.1, residues 432-452): SPAPAYTPSP[Ala442Val]PAYTPSPVPT